The following is an entry in ClinVar:

NM_001184.4(ATR):c.7398G>A (p.Met2466Ile)

Gene: ATR (ATR checkpoint kinase; minus strand). Cytogenetic location: 3q23.
Variant type: single nucleotide variant.
Coding change: c.7398G>A on transcript NM_001184.4 (MANE Select); coding-DNA position 7398, G replaced by A.
Protein change: p.Met2466Ile; replaces methionine 2466 with isoleucine.
Molecular consequence: missense variant.
Genome position (GRCh38, 1-based): chr3:142,459,063, C>T on the plus strand (G>A on the coding strand, the complement: ATR is on the minus strand). VCF-style: chr3-142459063-C-T. GRCh37 (hg19) VCF-style: chr3-142177905-C-T.
Other names: c.7206G>A, p.Met2402Ile (NM_001354579.2); short protein forms M2402I, M2466I.
Identifiers: ClinVar variation 2076044 (VCV002076044.4), dbSNP rs1577496774, ClinGen allele CA354796193.

ClinVar aggregate classification (germline): Uncertain significance (1 of 4 stars; one submission).

Submission:

Labcorp Genetics (formerly Invitae), Labcorp
Classification: Uncertain significance. Last evaluated: 2022-01-06. Review status: criteria provided, single submitter. Criteria: Invitae Variant Classification Sherloc (09022015). Collection method: clinical testing. Allele origin: germline.
Comment: This sequence change replaces methionine, which is neutral and non-polar, with isoleucine, which is neutral and non-polar, at codon 2466 of the ATR protein (p.Met2466Ile). This variant is not present in population databases (gnomAD no frequency). This variant has not been reported in the literature in individuals affected with ATR-related conditions. Algorithms developed to predict the effect of missense changes on protein structure and function are either unavailable or do not agree on the potential impact of this missense change (SIFT: "Tolerated"; PolyPhen-2: "Probably Damaging"; Align-GVGD: "Class C0"). In summary, the available evidence is currently insufficient to determine the role of this variant in disease. Therefore, it has been classified as a Variant of Uncertain Significance.